The following is an entry in ClinVar:

NM_152743.4(BRAT1):c.1271G>A (p.Arg424Gln)

Gene: BRAT1 (BRCA1 associated ATM activator 1; minus strand). Cytogenetic location: 7p22.3.
Variant type: single nucleotide variant.
Coding change: c.1271G>A on transcript NM_152743.4 (MANE Select); coding-DNA position 1271, G replaced by A.
Protein change: p.Arg424Gln; replaces arginine 424 with glutamine.
Molecular consequence: missense variant. On other transcripts: non-coding transcript variant (1).
Genome position (GRCh38, 1-based): chr7:2,541,348, C>T on the plus strand (G>A on the coding strand, the complement: BRAT1 is on the minus strand). VCF-style: chr7-2541348-C-T. GRCh37 (hg19) VCF-style: chr7-2580982-C-T.
Other names: c.1271G>A, p.Arg424Gln (NM_001350626.2); c.746G>A, p.Arg249Gln (NM_001350627.2); c.1271G>A (NM_152743.3); short protein forms R249Q, R424Q.
Identifiers: ClinVar variation 2145399 (VCV002145399.2), dbSNP rs374524068, ClinGen allele CA4127857.

ClinVar aggregate classification (germline): Uncertain significance. Review status: criteria provided, multiple submitters, no conflicts (2 of 4 stars). 2 submissions from 2 submitters: Uncertain significance (2). Last evaluated 2024-08-25.

Conditions:
Neonatal-onset encephalopathy with rigidity and seizures. Also called: Lethal neonatal spasticity-epileptic encephalopathy syndrome. Identifiers: Orphanet 435845, MedGen C3281029, MONDO:0013784, OMIM 614498.

Allele frequency attached by ClinVar (database versions not stated): gnomAD 0.00001; gnomAD exomes 0.00002; TOPMed 0.00002; ExAC 0.00003; ESP Exome Variant Server 0.00008.
gnomAD v4.1: 37 of 1,605,210 alleles (0.0023%); highest among the groups gnomAD compares: East Asian, 0.0089%; no homozygotes.

Submissions (2):

GeneDx
Classification: Uncertain significance. Last evaluated: 2024-08-25. Review status: criteria provided, single submitter. Criteria: GeneDx Variant Classification Process June 2021. Collection method: clinical testing. Allele origin: germline. Affected: yes.
Comment: In silico analysis indicates that this missense variant does not alter protein structure/function; Has not been previously published as pathogenic or benign to our knowledge

Labcorp Genetics (formerly Invitae), Labcorp
Classification: Uncertain significance for Neonatal-onset encephalopathy with rigidity and seizures. Last evaluated: 2022-05-10. Review status: criteria provided, single submitter. Criteria: Invitae Variant Classification Sherloc (09022015). Collection method: clinical testing. Allele origin: germline.
Comment: This sequence change replaces arginine, which is basic and polar, with glutamine, which is neutral and polar, at codon 424 of the BRAT1 protein (p.Arg424Gln). This variant is present in population databases (rs374524068, gnomAD 0.02%). This variant has not been reported in the literature in individuals affected with BRAT1-related conditions. Algorithms developed to predict the effect of missense changes on protein structure and function are either unavailable or do not agree on the potential impact of this missense change (SIFT: "Deleterious"; PolyPhen-2: "Probably Damaging"; Align-GVGD: "Class C0"). In summary, the available evidence is currently insufficient to determine the role of this variant in disease. Therefore, it has been classified as a Variant of Uncertain Significance.